The following is an entry in ClinVar:

ClinVar aggregate classification (germline): Uncertain significance (1 of 4 stars; one submission).

Conditions:
Hereditary cancer-predisposing syndrome. Also called: Neoplastic Syndromes, Hereditary; Tumor predisposition; Hereditary Cancer Syndrome; Hereditary neoplastic syndrome. Identifiers: Orphanet 140162, MedGen C0027672, MeSH D009386, MONDO:0015356.

Submission:

Ambry Genetics
Classification: Uncertain significance for Hereditary cancer-predisposing syndrome. Last evaluated: 2022-09-24. Review status: criteria provided, single submitter. Criteria: Ambry Variant Classification Scheme 2023. Collection method: clinical testing. Allele origin: germline.
Comment: The p.S304R variant (also known as c.912T>G), located in coding exon 2 of the AXIN2 gene, results from a T to G substitution at nucleotide position 912. The serine at codon 304 is replaced by arginine, an amino acid with dissimilar properties. This amino acid position is highly conserved in available vertebrate species. In addition, this alteration is predicted to be deleterious by in silico analysis. Since supporting evidence is limited at this time, the clinical significance of this alteration remains unclear.

NM_004655.4(AXIN2):c.912T>G (p.Ser304Arg)

Gene: AXIN2 (axin 2; minus strand). Cytogenetic location: 17q24.1.
Variant type: single nucleotide variant.
Coding change: c.912T>G on transcript NM_004655.4 (MANE Select); coding-DNA position 912, T replaced by G.
Protein change: p.Ser304Arg; replaces serine 304 with arginine.
Molecular consequence: missense variant.
Genome position (GRCh38, 1-based): chr17:65,549,564, A>C on the plus strand (T>G on the coding strand, the complement: AXIN2 is on the minus strand). VCF-style: chr17-65549564-A-C. GRCh37 (hg19) VCF-style: chr17-63545682-A-C.
Other names: c.912T>G, p.Ser304Arg (NM_001363813.1); short protein forms S304R.
Identifiers: ClinVar variation 1765916 (VCV001765916.2), dbSNP rs2144538384, ClinGen allele CA400679510.